The following is an entry in ClinVar:

NM_002948.5(RPL15):c.460C>G (p.Pro154Ala)

Genes: NKIRAS1 (NFKB inhibitor interacting Ras like 1; minus strand), RPL15 (ribosomal protein L15; plus strand). Cytogenetic location: 3p24.2.
Variant type: single nucleotide variant.
Coding change: c.460C>G on transcript NM_002948.5 (MANE Select); coding-DNA position 460, C replaced by G.
Protein change: p.Pro154Ala; replaces proline 154 with alanine.
Molecular consequence: missense variant. On other transcripts: intron variant (2).
Genome position (GRCh38, 1-based): chr3:23,919,346, C>G. VCF-style: chr3-23919346-C-G. GRCh37 (hg19) VCF-style: chr3-23960837-C-G.
Other names: c.460C>G, p.Pro154Ala (NM_001253379.2, NM_001253380.2, NM_001253382.2 and 1 more transcripts); c.-139-7896G>C (NM_001377380.1); c.360+100C>G (NM_001253384.2); short protein forms P154A.
Identifiers: ClinVar variation 1447051 (VCV001447051.8), dbSNP rs753971737, ClinGen allele CA2286525.

ClinVar aggregate classification (germline): Uncertain significance (1 of 4 stars; one submission).

Allele frequency attached by ClinVar (database versions not stated): gnomAD 0.00001; ExAC 0.00002; TOPMed below 0.00001; gnomAD exomes 0.00001 and 0.00003.
gnomAD v4.1: 45 of 1,602,486 alleles (0.0028%); highest among the groups gnomAD compares: Non-Finnish European, 0.0037%; no homozygotes.

Submission:

Labcorp Genetics (formerly Invitae), Labcorp
Classification: Uncertain significance. Last evaluated: 2025-03-26. Review status: criteria provided, single submitter. Criteria: Invitae Variant Classification Sherloc (09022015). Collection method: clinical testing. Allele origin: germline.
Comment: This sequence change replaces proline, which is neutral and non-polar, with alanine, which is neutral and non-polar, at codon 154 of the RPL15 protein (p.Pro154Ala). This variant is present in population databases (rs753971737, gnomAD 0.003%). This variant has not been reported in the literature in individuals affected with RPL15-related conditions. ClinVar contains an entry for this variant (Variation ID: 1447051). An algorithm developed to predict the effect of missense changes on protein structure and function (PolyPhen-2) suggests that this variant is likely to be tolerated. In summary, the available evidence is currently insufficient to determine the role of this variant in disease. Therefore, it has been classified as a Variant of Uncertain Significance.